The following is an entry in ClinVar:

NM_000038.6(APC):c.3588_3598delinsT (p.Phe1197fs)

Gene: APC (APC regulator of Wnt signaling pathway; plus strand). Cytogenetic location: 5q22.2.
Variant type: Indel.
Coding change: c.3588_3598delinsT on transcript NM_000038.6 (MANE Select); coding-DNA positions 3588 to 3598, ATTCTCAAAGA replaced by T.
Protein change: p.Phe1197fs; shifts the reading frame from phenylalanine 1197.
Molecular consequence: frameshift variant. On other transcripts: non-coding transcript variant (2).
Genome position (GRCh38, 1-based): chr5:112,839,182-112,839,192, ATTCTCAAAGA replaced by T. VCF-style: chr5-112839182-ATTCTCAAAGA-T. GRCh37 (hg19) VCF-style: chr5-112174879-ATTCTCAAAGA-T.
Other names: c.3339_3349delinsT, p.Phe1114fs (NM_001407455.1, NM_001407456.1, NM_001407457.1 and 1 more transcripts); c.3285_3295delinsT, p.Phe1096fs (NM_001407459.1, NM_001407460.1, NM_001407458.1 and 1 more transcripts); c.3201_3211delinsT, p.Phe1068fs (NM_001407467.1, NM_001407469.1); c.3588_3598delinsT, p.Phe1197fs (NM_001127510.3, NM_001354895.2, NM_001407450.1); c.3534_3544delinsT, p.Phe1179fs (NM_001127511.3); c.3642_3652delinsT, p.Phe1215fs (NM_001354896.2, NM_001407447.1, NM_001407448.1 and 1 more transcripts); c.3618_3628delinsT, p.Phe1207fs (NM_001354897.2); c.3513_3523delinsT, p.Phe1172fs (NM_001354898.2); and 12 more; short protein forms F1037fs, F1068fs, F1071fs, F1096fs, F1106fs, F1114fs, F1138fs, F1156fs.
Identifiers: ClinVar variation 2583960 (VCV002583960.3), dbSNP rs2533509621, ClinGen allele CA2582341522.

ClinVar aggregate classification (germline): Pathogenic. Review status: criteria provided, multiple submitters, no conflicts (2 of 4 stars). 2 submissions from 2 submitters: Pathogenic (2). Last evaluated 2024-05-08.

Conditions:
Familial adenomatous polyposis 1 (FAP1). Also called: FAMILIAL ADENOMATOUS POLYPOSIS 1, ATTENUATED; POLYPOSIS, ADENOMATOUS INTESTINAL. Identifiers: MedGen C2713442, MONDO:0021056, OMIM 175100. Disease mechanism: loss of function.
Hereditary cancer-predisposing syndrome. Also called: Hereditary neoplastic syndrome; Tumor predisposition; Hereditary Cancer Syndrome; Neoplastic Syndromes, Hereditary. Identifiers: Orphanet 140162, MedGen C0027672, MeSH D009386, MONDO:0015356.

Submissions (2):

Ambry Genetics
Classification: Pathogenic for Hereditary cancer-predisposing syndrome. Last evaluated: 2024-05-08. Review status: criteria provided, single submitter. Criteria: Ambry Variant Classification Scheme 2023. Collection method: clinical testing. Allele origin: germline.
Comment: The c.3588_3598del11insT pathogenic mutation, located in coding exon 15 of the APC gene, results from the deletion of 11 nucleotides and insertion of one nucleotide causing a translational frameshift with a predicted alternate stop codon (p.F1197Vfs*65). This alteration occurs at the 3' terminus of theAPC gene, is not expected to trigger nonsense-mediated mRNA decay, and impacts the last 58%/1647 amino acids of the protein. However, premature stop codons are typically deleterious in nature and a significant portion of the protein is affected (Ambry internal data). This variant is considered to be rare based on population cohorts in the Genome Aggregation Database (gnomAD). Based on the supporting evidence, this variant is interpreted as a disease-causing mutation.

Myriad Genetics, Inc.
Classification: Pathogenic for Familial adenomatous polyposis 1. Last evaluated: 2023-05-09. Review status: criteria provided, single submitter. Criteria: Myriad Autosomal Dominant, Autosomal Recessive and X-Linked Classification Criteria (2023). Collection method: clinical testing. Allele origin: unknown.
Comment: This variant is considered pathogenic. This variant creates a frameshift predicted to result in premature protein truncation.